The following is an entry in ClinVar:

ClinVar aggregate classification (germline): Uncertain significance (1 of 4 stars; one submission).

Conditions:
Cardiovascular phenotype. Identifiers: MedGen CN230736.

Submission:

Ambry Genetics
Classification: Uncertain significance for Cardiovascular phenotype. Last evaluated: 2025-11-06. Review status: criteria provided, single submitter. Criteria: Ambry Variant Classification Scheme 2023. Collection method: clinical testing. Allele origin: germline.
Comment: The c.2473-5T>G intronic variant results from a T to G substitution 5 nucleotides upstream from coding exon 19 in the LAMA4 gene. This nucleotide position is well conserved in available vertebrate species. In silico splice site analysis predicts that this alteration will not have any significant effect on splicing. The evidence for this gene-disease relationship is limited; therefore, the clinical significance of this alteration is unclear.

NM_001105206.3(LAMA4):c.2494-5T>G

Gene: LAMA4 (laminin subunit alpha 4; minus strand). Cytogenetic location: 6q21.
Variant type: single nucleotide variant.
Coding change: c.2494-5T>G on transcript NM_001105206.3 (MANE Select); 5 bases into the intron before coding-DNA position 2494, T replaced by G.
Molecular consequence: intron variant.
Genome position (GRCh38, 1-based): chr6:112,142,297, A>C on the plus strand (T>G on the coding strand, the complement: LAMA4 is on the minus strand). VCF-style: chr6-112142297-A-C. GRCh37 (hg19) VCF-style: chr6-112463499-A-C.
Other names: c.2473-5T>G (NM_002290.5, NM_001105207.3).
Identifiers: ClinVar variation 4614448 (VCV004614448.1).
Genomic context (GRCh38, chr6:112,142,297, plus strand): 5'-GTTCTCGAGTGCACTTCCACAGCTGACTGGCCATCAAACATCATGGAGACTTGGATCTGG[A>C]GTGACACAACGGTTTCATTAAAAGTGCTTTGCAGAAATGGGCAGAGTGCTTTCCCGTGCT-3'